The following is an entry in ClinVar:

ClinVar aggregate classification (germline): Uncertain significance (1 of 4 stars; one submission).

Conditions:
Cardiovascular phenotype. Identifiers: MedGen CN230736.
Hereditary cancer-predisposing syndrome. Also called: Hereditary Cancer Syndrome; Hereditary neoplastic syndrome; Neoplastic Syndromes, Hereditary; Tumor predisposition. Identifiers: Orphanet 140162, MedGen C0027672, MeSH D009386, MONDO:0015356.

Submission:

Ambry Genetics
Classification: Uncertain significance for Cardiovascular phenotype; Hereditary cancer-predisposing syndrome. Last evaluated: 2024-12-18. Review status: criteria provided, single submitter. Criteria: Ambry Variant Classification Scheme 2023. Collection method: clinical testing. Allele origin: germline.
Comment: The p.V1936G variant (also known as c.5807T>G), located in coding exon 39 of the NF1 gene, results from a T to G substitution at nucleotide position 5807. The valine at codon 1936 is replaced by glycine, an amino acid with dissimilar properties. This amino acid position is highly conserved in available vertebrate species. In addition, this alteration is predicted to be deleterious by in silico analysis. Based on the available evidence, the clinical significance of this variant remains unclear.

NM_001042492.3(NF1):c.5870T>G (p.Val1957Gly)

Gene: NF1 (neurofibromin 1; plus strand). Cytogenetic location: 17q11.2.
Variant type: single nucleotide variant.
Coding change: c.5870T>G on transcript NM_001042492.3 (MANE Select); coding-DNA position 5870, T replaced by G.
Protein change: p.Val1957Gly; replaces valine 1957 with glycine.
Molecular consequence: missense variant.
Genome position (GRCh38, 1-based): chr17:31,334,895, T>G. VCF-style: chr17-31334895-T-G. GRCh37 (hg19) VCF-style: chr17-29661913-T-G.
Other names: c.5807T>G, p.Val1936Gly (NM_000267.4); short protein forms V1936G, V1957G.
Identifiers: ClinVar variation 1749818 (VCV001749818.3), dbSNP rs2069602993, ClinGen allele CA399010677.